The following is an entry in ClinVar:

ClinVar aggregate classification (germline): Uncertain significance (1 of 4 stars; one submission).

Allele frequency attached by ClinVar (database versions not stated): TOPMed below 0.00001.

Submission:

Mayo Clinic Laboratories, Mayo Clinic
Classification: Uncertain significance. Last evaluated: 2023-03-06. Review status: criteria provided, single submitter. Criteria: ACMG Guidelines, 2015. Collection method: clinical testing. Allele origin: germline. Observed: 1 variant allele.
Comment: PM2

NM_002047.4(GARS1):c.520C>G (p.Gln174Glu)

Gene: GARS1 (glycyl-tRNA synthetase 1; plus strand). Cytogenetic location: 7p14.3.
Variant type: single nucleotide variant.
Coding change: c.520C>G on transcript NM_002047.4 (MANE Select); coding-DNA position 520, C replaced by G.
Protein change: p.Gln174Glu; replaces glutamine 174 with glutamic acid.
Molecular consequence: missense variant.
Genome position (GRCh38, 1-based): chr7:30,601,151, C>G. VCF-style: chr7-30601151-C-G. GRCh37 (hg19) VCF-style: chr7-30640767-C-G.
Other names: p.Gln174Glu; c.358C>G, p.Gln120Glu (NM_001316772.1); short protein forms Q120E, Q174E.
Identifiers: ClinVar variation 2682968 (VCV002682968.1), dbSNP rs1791368748, ClinGen allele CA367139526.
Genomic context (GRCh38, chr7:30,601,151, plus strand): 5'-GGCTGTGCTTTGAAGAACAATATTATTCAGACCTGGAGGCAGCACTTTATCCAAGAGGAA[C>G]AGATCCTGGAGATCGATTGCACCATGCTCACCCCTGAGCCAGTTTTAAAGTGAGATCTTA-3'
Protein context (NP_002038.2, residues 164-184): TWRQHFIQEE[Gln174Glu]ILEIDCTMLT